The following is an entry in ClinVar:

ClinVar aggregate classification (germline): Uncertain significance. Review status: criteria provided, multiple submitters, no conflicts (2 of 4 stars). 3 submissions from 3 submitters: Uncertain significance (3). Last evaluated 2025-09-15.

Allele frequency attached by ClinVar (database versions not stated): gnomAD 0.00001; gnomAD exomes 0.00001 and 0.00002; TOPMed 0.00001.
gnomAD v4.1: 29 of 1,614,052 alleles (0.0018%); highest among the groups gnomAD compares: East Asian, 0.011%; no homozygotes.

Submissions (3):

Labcorp Genetics (formerly Invitae), Labcorp
Classification: Uncertain significance. Last evaluated: 2025-09-15. Review status: criteria provided, single submitter. Criteria: Invitae Variant Classification Sherloc (09022015). Collection method: clinical testing. Allele origin: germline.
Comment: This sequence change replaces arginine, which is basic and polar, with cysteine, which is neutral and slightly polar, at codon 401 of the GALNT12 protein (p.Arg401Cys). This variant is present in population databases (no rsID available, gnomAD 0.01%). This variant has not been reported in the literature in individuals affected with GALNT12-related conditions. ClinVar contains an entry for this variant (Variation ID: 410585). Invitae Evidence Modeling of protein sequence and biophysical properties (such as structural, functional, and spatial information, amino acid conservation, physicochemical variation, residue mobility, and thermodynamic stability) indicates that this missense variant is not expected to disrupt GALNT12 protein function with a negative predictive value of 80%. In summary, the available evidence is currently insufficient to determine the role of this variant in disease. Therefore, it has been classified as a Variant of Uncertain Significance.

Ambry Genetics
Classification: Uncertain significance. Last evaluated: 2025-03-20. Review status: criteria provided, single submitter. Criteria: Ambry Variant Classification Scheme 2023. Collection method: clinical testing. Allele origin: germline.
Comment: The p.R401C variant (also known as c.1201C>T), located in coding exon 6 of the GALNT12 gene, results from a C to T substitution at nucleotide position 1201. The arginine at codon 401 is replaced by cysteine, an amino acid with highly dissimilar properties. This amino acid position is poorly conserved in available vertebrate species. In addition, this alteration is predicted to be tolerated by in silico analysis. Since supporting evidence is limited at this time, the clinical significance of this alteration remains unclear.

Quest Diagnostics Nichols Institute San Juan Capistrano
Classification: Uncertain significance. Last evaluated: 2024-12-06. Review status: criteria provided, single submitter. Criteria: Quest Diagnostics criteria. Collection method: clinical testing. Allele origin: unknown.
Comment: The GALNT12 c.1201C>T (p.Arg401Cys) variant has been reported in the published literature in an individual affected with colorectal cancer (PMID: 28944238 (2017)). The frequency of this variant in the general population (Genome Aggregation Database) is uninformative in the assessment of its pathogenicity. Analysis of this variant using bioinformatics tools for the prediction of the effect of amino acid changes on protein structure and function yielded predictions that this variant is benign. Based on the available information, we are unable to determine the clinical significance of this variant.

Literature cited by the submitters: PubMed 28944238 (cited by Quest Diagnostics Nichols Institute San Juan Capistrano).

NM_024642.5(GALNT12):c.1201C>T (p.Arg401Cys)

Gene: GALNT12 (polypeptide N-acetylgalactosaminyltransferase 12; plus strand). Cytogenetic location: 9q22.33.
Variant type: single nucleotide variant.
Coding change: c.1201C>T on transcript NM_024642.5 (MANE Select); coding-DNA position 1201, C replaced by T.
Protein change: p.Arg401Cys; replaces arginine 401 with cysteine.
Molecular consequence: missense variant.
Genome position (GRCh38, 1-based): chr9:98,837,137, C>T. VCF-style: chr9-98837137-C-T. GRCh37 (hg19) VCF-style: chr9-101599419-C-T.
Other names: short protein forms R401C.
Identifiers: ClinVar variation 410585 (VCV000410585.19), dbSNP rs1060502968, ClinGen allele CA16612802.
Genomic context (GRCh38, chr9:98,837,137, plus strand): 5'-GTTCGTGCAGCTGAAGTATGGATGGATGAATTTAAAGAGCTCTACTACCATCGCAACCCC[C>T]GTGCCCGCTTGGTGAGTTCCTCGGCCCACCTGCACTCCATCTGGCTTCATCTGAACAACA-3'
Protein context (NP_078918.3, residues 391-411): FKELYYHRNP[Arg401Cys]ARLEPFGDVT